The following is an entry in ClinVar:

ClinVar aggregate classification (germline): Uncertain significance. Review status: criteria provided, multiple submitters, no conflicts (2 of 4 stars). 2 submissions from 2 submitters: Uncertain significance (2). Last evaluated 2024-05-21.

Conditions:
Hereditary cancer-predisposing syndrome. Also called: Neoplastic Syndromes, Hereditary; Tumor predisposition; Hereditary neoplastic syndrome; Hereditary Cancer Syndrome. Identifiers: Orphanet 140162, MedGen C0027672, MeSH D009386, MONDO:0015356.
Tuberous sclerosis 2 (TSC2). Identifiers: Orphanet 805, MedGen C1860707, MONDO:0013199, OMIM 613254.

Submissions (2):

Labcorp Genetics (formerly Invitae), Labcorp
Classification: Uncertain significance for Tuberous sclerosis 2. Last evaluated: 2024-05-21. Review status: criteria provided, single submitter. Criteria: Invitae Variant Classification Sherloc (09022015). Collection method: clinical testing. Allele origin: germline.
Comment: This sequence change replaces alanine, which is neutral and non-polar, with threonine, which is neutral and polar, at codon 84 of the TSC2 protein (p.Ala84Thr). This variant is not present in population databases (gnomAD no frequency). This missense change has been observed in individual(s) with intellectual disability with a hypomelanotic macule (PMID: 31799751). ClinVar contains an entry for this variant (Variation ID: 1792378). Advanced modeling of protein sequence and biophysical properties (such as structural, functional, and spatial information, amino acid conservation, physicochemical variation, residue mobility, and thermodynamic stability) performed at Invitae indicates that this missense variant is not expected to disrupt TSC2 protein function with a negative predictive value of 95%. Experimental studies have shown that this missense change does not substantially affect TSC2 function (PMID: 31799751). In summary, the available evidence is currently insufficient to determine the role of this variant in disease. Therefore, it has been classified as a Variant of Uncertain Significance.

Ambry Genetics
Classification: Uncertain significance for Hereditary cancer-predisposing syndrome. Last evaluated: 2022-09-29. Review status: criteria provided, single submitter. Criteria: Ambry Variant Classification Scheme 2023. Collection method: clinical testing. Allele origin: germline.
Comment: The p.A84T variant (also known as c.250G>A), located in coding exon 3 of the TSC2 gene, results from a G to A substitution at nucleotide position 250. The alanine at codon 84 is replaced by threonine, an amino acid with similar properties. Additionally, no splicing impact was detected for this variant, and structural analysis found p.A84T is unlikely to affect protein folding or stability (Dufner Almeida LG et al. Hum Mutat, 2020 04;41:759-773). This amino acid position is not well conserved in available vertebrate species. In addition, this alteration is predicted to be tolerated by in silico analysis. Since supporting evidence is limited at this time, the clinical significance of this alteration remains unclear.

Literature cited by the submitters: PubMed 31799751 (cited by Labcorp Genetics (formerly Invitae), Labcorp and Ambry Genetics).

NM_000548.5(TSC2):c.250G>A (p.Ala84Thr)

Gene: TSC2 (TSC complex subunit 2; plus strand). Cytogenetic location: 16p13.3.
Variant type: single nucleotide variant.
Coding change: c.250G>A on transcript NM_000548.5 (MANE Select); coding-DNA position 250, G replaced by A.
Protein change: p.Ala84Thr; replaces alanine 84 with threonine.
Molecular consequence: missense variant. On other transcripts: intron variant (2).
Genome position (GRCh38, 1-based): chr16:2,053,366, G>A. VCF-style: chr16-2053366-G-A. GRCh37 (hg19) VCF-style: chr16-2103367-G-A.
Other names: c.250G>A, p.Ala84Thr (NM_001077183.3, NM_001406668.1, NM_001406671.1 and 10 more transcripts); c.103G>A, p.Ala35Thr (NM_001406675.1, NM_001406676.1, NM_001406677.1 and 2 more transcripts); c.-567G>A (NM_001406680.1, NM_001406683.1, NM_001406687.1); c.-196G>A (NM_001406681.1); c.-1182G>A (NM_001406689.1, NM_001406690.1, NM_001406691.1 and 2 more transcripts); c.-1488G>A (NM_001406693.1); c.-1063G>A (NM_001406694.1, NM_001406695.1); c.-1170G>A (NM_001406696.1); and 4 more; short protein forms A84T, A95T, A35T.
Identifiers: ClinVar variation 1792378 (VCV001792378.8), dbSNP rs2151026510, ClinGen allele CA394305523.
Genomic context (GRCh38, chr16:2,053,366, plus strand): 5'-GCACATCCTCACCGCTGTCCCCTCTGCTGGTGACAGCACGCAGTGGAAGCACTCTGGAAG[G>A]CGGTCGCGGATCTGTTGCAGCCGGAGCGGCCGCTGGAGGCCCGGCACGCGGTGCTGGCTC-3'
Protein context (NP_000539.2, residues 74-94): EEHAVEALWK[Ala84Thr]VADLLQPERP